The following is an entry in ClinVar:

NM_013447.4(ADGRE2):c.138C>A (p.Arg46=)

Gene: ADGRE2 (adhesion G protein-coupled receptor E2; minus strand). Cytogenetic location: 19p13.12.
Variant type: single nucleotide variant.
Coding change: c.138C>A on transcript NM_013447.4 (MANE Select); coding-DNA position 138, C replaced by A.
Protein change: p.Arg46=; no amino-acid change (arginine 46 retained).
Molecular consequence: synonymous variant.
Genome position (GRCh38, 1-based): chr19:14,773,999, G>T on the plus strand (C>A on the coding strand, the complement: ADGRE2 is on the minus strand). VCF-style: chr19-14773999-G-T. GRCh37 (hg19) VCF-style: chr19-14884811-G-T.
Other names: c.138C>A (NM_013447.3); c.138C>A, p.Arg46= (NM_001271052.1).
Identifiers: ClinVar variation 1686348 (VCV001686348.6), dbSNP rs202128202, ClinGen allele CA9258294.
Genomic context (GRCh38, chr19:14,773,999, plus strand): 5'-GTCACAAGTCTCCATGGGGGTGGTGATGATCTCAGAAAAAGAGCTGAACCCTGGATTGCA[G>T]CGACAGGCGGTGGCATTGACACACGAGGAGTCCTGAGGGCACCACCGGGCACAGCCTGCA-3'
Protein context (NP_038475.2, residues 36-56): DSSCVNATAC[Arg46=]CNPGFSSFSE

ClinVar aggregate classification (germline): Benign/Likely benign. Review status: criteria provided, multiple submitters, no conflicts (2 of 4 stars). 3 submissions from 3 submitters: Benign (1); Likely benign (1). 1 of the submissions does not count toward it. Last evaluated 2025-11-25.

Conditions:
ADGRE2-related disorder. Also called: ADGRE2-related condition.

Allele frequency attached by ClinVar (database versions not stated): gnomAD 0.00006 and 0.00005; gnomAD exomes 0.00008 and 0.00015; ExAC 0.00010; TOPMed 0.00009; ESP Exome Variant Server 0.00008.

Submissions (3):

Labcorp Genetics (formerly Invitae), Labcorp
Classification: Likely benign. Last evaluated: 2025-11-25. Review status: criteria provided, single submitter. Criteria: Invitae Variant Classification Sherloc (09022015). Collection method: clinical testing. Allele origin: germline.

Mendelics
Classification: Benign. Last evaluated: 2022-05-04. Review status: criteria provided, single submitter. Criteria: Mendelics Assertion Criteria 2019. Collection method: clinical testing. Allele origin: germline.

PreventionGenetics, part of Exact Sciences
Classification: Likely benign for ADGRE2-related condition. Last evaluated: 2022-10-17. Review status: no assertion criteria provided. Collection method: clinical testing. Allele origin: germline. Not counted in ClinVar's aggregate classification.
Comment: This variant is classified as likely benign based on ACMG/AMP sequence variant interpretation guidelines (Richards et al. 2015 PMID: 25741868, with internal and published modifications).